The following is an entry in ClinVar:

ClinVar aggregate classification (germline): Conflicting classifications of pathogenicity. Review status: criteria provided, conflicting classifications (1 of 4 stars). 7 submissions from 7 submitters: Uncertain significance (1); Likely benign (6). Last evaluated 2026-05-05.

Conditions:
TTN-related disorder. Also called: TTN-related condition; TTN-related disease; TTN-related disorders.
Cardiovascular phenotype. Identifiers: MedGen CN230736.
Autosomal recessive limb-girdle muscular dystrophy type 2J (LGMDR10). Also called: MUSCULAR DYSTROPHY, LIMB-GIRDLE, AUTOSOMAL RECESSIVE 10; Limb-girdle muscular dystrophy, type 2J. Identifiers: Orphanet 140922, MedGen C1837342, MONDO:0012127, OMIM 608807.
Dilated cardiomyopathy 1G (CMD1G). Identifiers: Orphanet 154, MedGen C1858763, MONDO:0011400, OMIM 604145.

Allele frequency attached by ClinVar (database versions not stated): ExAC 0.00002; gnomAD exomes 0.00004; TOPMed 0.00006; gnomAD 0.00008 and 0.00009; ESP Exome Variant Server 0.00015; 1000 Genomes Project 30x 0.00031; 1000 Genomes Project 0.00040.
gnomAD v4.1: 104 of 1,613,468 alleles (0.0064%); highest among the groups gnomAD compares: African/African-American, 0.021%; no homozygotes.

Submissions (7):

PreventionGenetics, part of Exact Sciences
Classification: Likely benign for TTN-related condition. Last evaluated: 2026-05-05. Review status: criteria provided, single submitter. Criteria: ACMG Guidelines, 2015. Collection method: clinical testing. Allele origin: germline.
Comment: This variant is classified as likely benign based on ACMG/AMP sequence variant interpretation guidelines (Richards et al. 2015 PMID: 25741868, with internal and published modifications).

Labcorp Genetics (formerly Invitae), Labcorp
Classification: Likely benign for Dilated cardiomyopathy 1G; Autosomal recessive limb-girdle muscular dystrophy type 2J. Last evaluated: 2025-11-20. Review status: criteria provided, single submitter. Criteria: Invitae Variant Classification Sherloc (09022015). Collection method: clinical testing. Allele origin: germline.

Blueprint Genetics
Classification: Likely benign. Last evaluated: 2024-04-30. Review status: criteria provided, single submitter. Criteria: ACMG Guidelines, 2015. Collection method: clinical testing. Allele origin: germline.

ARUP Laboratories, Molecular Genetics and Genomics, ARUP Laboratories
Classification: Likely benign. Last evaluated: 2021-09-13. Review status: criteria provided, single submitter. Criteria: ARUP Molecular Germline Variant Investigation Process 2021. Collection method: clinical testing. Allele origin: germline.

GeneDx
Classification: Likely benign. Last evaluated: 2021-02-09. Review status: criteria provided, single submitter. Criteria: GeneDx Variant Classification Process June 2021. Collection method: clinical testing. Allele origin: germline. Affected: yes.

Eurofins Ntd Llc (ga)
Classification: Uncertain significance. Last evaluated: 2017-05-12. Review status: criteria provided, single submitter. Criteria: EGL Classification Definitions 2015. Collection method: clinical testing. Allele origin: germline. Observed: 1 variant allele, 1 heterozygote.

Ambry Genetics
Classification: Likely benign for Cardiovascular phenotype. Last evaluated: 2013-11-14. Review status: criteria provided, single submitter. Criteria: Ambry Autosomal Dominant and X-Linked criteria (10/2015). Collection method: clinical testing. Allele origin: germline. Observed: 1 variant allele.

NM_001267550.2(TTN):c.2760C>T (p.His920=)

Gene: TTN (titin; minus strand). Cytogenetic location: 2q31.2.
Variant type: single nucleotide variant.
Coding change: c.2760C>T on transcript NM_001267550.2 (MANE Select); coding-DNA position 2760, C replaced by T.
Protein change: p.His920=; no amino-acid change (histidine 920 retained).
Molecular consequence: synonymous variant.
Genome position (GRCh38, 1-based): chr2:178,784,085, G>A on the plus strand (C>T on the coding strand, the complement: TTN is on the minus strand). VCF-style: chr2-178784085-G-A. GRCh37 (hg19) VCF-style: chr2-179648812-G-A.
Other names: c.2622C>T, p.His874= (NM_003319.4, NM_133432.3, NM_133437.4); c.2760C>T, p.His920= (NM_133379.5, NM_001256850.1, NM_133378.4).
Identifiers: ClinVar variation 263753 (VCV000263753.29), dbSNP rs138788406, ClinGen allele CA2005745.